The following is an entry in ClinVar:

NM_006231.4(POLE):c.3763T>A (p.Leu1255Met)

Gene: POLE (DNA polymerase epsilon, catalytic subunit; minus strand). Cytogenetic location: 12q24.33.
Variant type: single nucleotide variant.
Coding change: c.3763T>A on transcript NM_006231.4 (MANE Select); coding-DNA position 3763, T replaced by A.
Protein change: p.Leu1255Met; replaces leucine 1255 with methionine.
Molecular consequence: missense variant.
Genome position (GRCh38, 1-based): chr12:132,649,709, A>T on the plus strand (T>A on the coding strand, the complement: POLE is on the minus strand). VCF-style: chr12-132649709-A-T. GRCh37 (hg19) VCF-style: chr12-133226295-A-T.
Other names: short protein forms L1255M.
Identifiers: ClinVar variation 2625251 (VCV002625251.2), dbSNP rs745838504, ClinGen allele CA387386065.

ClinVar aggregate classification (germline): Uncertain significance (1 of 4 stars; one submission).

Conditions:
Hereditary cancer-predisposing syndrome. Also called: Tumor predisposition; Hereditary Cancer Syndrome; Hereditary neoplastic syndrome; Neoplastic Syndromes, Hereditary. Identifiers: Orphanet 140162, MedGen C0027672, MeSH D009386, MONDO:0015356.

Submission:

Ambry Genetics
Classification: Uncertain significance for Hereditary cancer-predisposing syndrome. Last evaluated: 2023-09-05. Review status: criteria provided, single submitter. Criteria: Ambry Variant Classification Scheme 2023. Collection method: clinical testing. Allele origin: germline.
Comment: The p.L1255M variant (also known as c.3763T>A), located in coding exon 30 of the POLE gene, results from a T to A substitution at nucleotide position 3763. The leucine at codon 1255 is replaced by methionine, an amino acid with highly similar properties. This amino acid position is conserved. In addition, this alteration is predicted to be tolerated by in silico analysis. Since supporting evidence is limited at this time, the clinical significance of this alteration remains unclear.